The following is an entry in ClinVar:

NM_005391.5(PDK3):c.811A>G (p.Lys271Glu)

Gene: PDK3 (pyruvate dehydrogenase kinase 3; plus strand). Cytogenetic location: Xp22.11.
Variant type: single nucleotide variant.
Coding change: c.811A>G on transcript NM_005391.5 (MANE Select); coding-DNA position 811, A replaced by G.
Protein change: p.Lys271Glu; replaces lysine 271 with glutamic acid.
Molecular consequence: missense variant.
Genome position (GRCh38, 1-based): chrX:24,527,634, A>G. VCF-style: chrX-24527634-A-G. GRCh37 (hg19) VCF-style: chrX-24545751-A-G.
Other names: c.811A>G, p.Lys271Glu (NM_001142386.3); short protein forms K271E.
Identifiers: ClinVar variation 657567 (VCV000657567.8), dbSNP rs1569227273, ClinGen allele CA412602726.

ClinVar aggregate classification (germline): Uncertain significance (1 of 4 stars; one submission).

Conditions:
Charcot-Marie-Tooth disease X-linked dominant 6. Also called: CHARCOT-MARIE-TOOTH NEUROPATHY, X-LINKED DOMINANT, 6. Identifiers: Orphanet 352675, MedGen C3806702, MONDO:0010479, OMIM 300905.

Allele frequency attached by ClinVar (database versions not stated): gnomAD exomes below 0.00001 and 0.00001.
gnomAD v4.1: 1 of 1,189,203 alleles (0.000084%); highest among the groups gnomAD compares: Non-Finnish European, 0.00011%; no homozygotes.

Submission:

Labcorp Genetics (formerly Invitae), Labcorp
Classification: Uncertain significance for Charcot-Marie-Tooth disease X-linked dominant 6. Last evaluated: 2018-11-26. Review status: criteria provided, single submitter. Criteria: Invitae Variant Classification Sherloc (09022015). Collection method: clinical testing. Allele origin: germline.
Comment: In summary, the available evidence is currently insufficient to determine the role of this variant in disease. Therefore, it has been classified as a Variant of Uncertain Significance. Algorithms developed to predict the effect of missense changes on protein structure and function (SIFT, PolyPhen-2, Align-GVGD) all suggest that this variant is likely to be tolerated, but these predictions have not been confirmed by published functional studies and their clinical significance is uncertain. This variant has not been reported in the literature in individuals with PDK3-related conditions. This variant is not present in population databases (ExAC no frequency). This sequence change replaces lysine with glutamic acid at codon 271 of the PDK3 protein (p.Lys271Glu). The lysine residue is highly conserved and there is a small physicochemical difference between lysine and glutamic acid.